The following is an entry in ClinVar:

NM_001005522.2(OR2T8):c.501C>T (p.Cys167=)

Gene: OR2T8 (olfactory receptor family 2 subfamily T member 8; plus strand). Cytogenetic location: 1q44.
Variant type: single nucleotide variant.
Coding change: c.501C>T on transcript NM_001005522.2 (MANE Select); coding-DNA position 501, C replaced by T.
Protein change: p.Cys167=; no amino-acid change (cysteine 167 retained).
Molecular consequence: synonymous variant.
Genome position (GRCh38, 1-based): chr1:247,921,518, C>T. VCF-style: chr1-247921518-C-T. GRCh37 (hg19) VCF-style: chr1-248084820-C-T.
Identifiers: ClinVar variation 3771220 (VCV003771220.13).
Genomic context (GRCh38, chr1:247,921,518, plus strand): 5'-GCTCCTGGGTGCAGCTGACGGGCTCCTGCAGGCTGTTGCTACCCTGAGCTTCCCATATTG[C>T]GGTGCACACGAGATCGATCACTTCTTCTGCGAGACCCCCGTGCTGGTGCGTTTGGCTTGT-3'
Protein context (NP_001005522.1, residues 157-177): QAVATLSFPY[Cys167=]GAHEIDHFFC

ClinVar aggregate classification (germline): Likely benign (1 of 4 stars; one submission).

Submission:

CeGaT Center for Human Genetics Tuebingen
Classification: Likely benign. Last evaluated: 2025-01-01. Review status: criteria provided, single submitter. Criteria: CeGaT Center For Human Genetics Tuebingen Variant Classification Criteria Version 2. Collection method: clinical testing. Allele origin: germline. Affected: yes. Observed: 1 variant allele.
Comment: OR2T8: BP4, BP7